The following is an entry in ClinVar:

ClinVar aggregate classification (germline): Uncertain significance (1 of 4 stars; one submission).

Conditions:
Glycogen storage disease type III (GSD3). Also called: FORBES DISEASE; Cori disease. Identifiers: Orphanet 366, MedGen C0017922, MONDO:0009291, OMIM 232400.

Allele frequency attached by ClinVar (database versions not stated): gnomAD exomes below 0.00001.
gnomAD v4.1: 1 of 1,613,876 alleles (0.000062%); highest among the groups gnomAD compares: Non-Finnish European, 0.000085%; no homozygotes.

Submission:

Labcorp Genetics (formerly Invitae), Labcorp
Classification: Uncertain significance for Glycogen storage disease type III. Last evaluated: 2025-11-21. Review status: criteria provided, single submitter. Criteria: Invitae Variant Classification Sherloc (09022015). Collection method: clinical testing. Allele origin: germline.
Comment: This sequence change replaces asparagine, which is neutral and polar, with serine, which is neutral and polar, at codon 182 of the AGL protein (p.Asn182Ser). This variant is not present in population databases (gnomAD no frequency). This variant has not been reported in the literature in individuals affected with AGL-related conditions. ClinVar contains an entry for this variant (Variation ID: 1493556). Invitae Evidence Modeling of protein sequence and biophysical properties (such as structural, functional, and spatial information, amino acid conservation, physicochemical variation, residue mobility, and thermodynamic stability) indicates that this missense variant is not expected to disrupt AGL protein function with a negative predictive value of 80%. In summary, the available evidence is currently insufficient to determine the role of this variant in disease. Therefore, it has been classified as a Variant of Uncertain Significance.

NM_000642.3(AGL):c.545A>G (p.Asn182Ser)

Gene: AGL (amylo-alpha-1,6-glucosidase and 4-alpha-glucanotransferase; plus strand). Cytogenetic location: 1p21.2.
Variant type: single nucleotide variant.
Coding change: c.545A>G on transcript NM_000642.3 (MANE Select); coding-DNA position 545, A replaced by G.
Protein change: p.Asn182Ser; replaces asparagine 182 with serine.
Molecular consequence: missense variant.
Genome position (GRCh38, 1-based): chr1:99,864,470, A>G. VCF-style: chr1-99864470-A-G. GRCh37 (hg19) VCF-style: chr1-100330026-A-G.
Other names: c.545A>G, p.Asn182Ser (NM_000028.3, NM_000643.3, NM_000644.3 and 3 more transcripts); c.497A>G, p.Asn166Ser (NM_000646.3); c.167A>G, p.Asn56Ser (NM_001425332.1); short protein forms N166S, N182S, N56S.
Identifiers: ClinVar variation 1493556 (VCV001493556.8), dbSNP rs2101093877, ClinGen allele CA341335701.